The following is an entry in ClinVar:

ClinVar aggregate classification (germline): Uncertain significance (1 of 4 stars; one submission).

gnomAD v4.1: 1 of 1,597,800 alleles (0.000063%); highest among the groups gnomAD compares: Non-Finnish European, 0.000086%; no homozygotes.

Submission:

Labcorp Genetics (formerly Invitae), Labcorp
Classification: Uncertain significance. Last evaluated: 2025-10-01. Review status: criteria provided, single submitter. Criteria: Invitae Variant Classification Sherloc (09022015). Collection method: clinical testing. Allele origin: germline.
Comment: This sequence change replaces valine, which is neutral and non-polar, with alanine, which is neutral and non-polar, at codon 408 of the IL23R protein (p.Val408Ala). This variant is present in population databases (no rsID available, gnomAD 0.0009%). This variant has not been reported in the literature in individuals affected with IL23R-related conditions. An algorithm developed to predict the effect of missense changes on protein structure and function outputs the following: PolyPhen-2: "Possibly Damaging". The alanine amino acid residue is found in multiple mammalian species, which suggests that this missense change does not adversely affect protein function. In summary, the available evidence is currently insufficient to determine the role of this variant in disease. Therefore, it has been classified as a Variant of Uncertain Significance.

NM_144701.3(IL23R):c.1223T>C (p.Val408Ala)

Gene: IL23R (interleukin 23 receptor; plus strand). Cytogenetic location: 1p31.3.
Variant type: single nucleotide variant.
Coding change: c.1223T>C on transcript NM_144701.3 (MANE Select); coding-DNA position 1223, T replaced by C.
Protein change: p.Val408Ala; replaces valine 408 with alanine.
Molecular consequence: missense variant.
Genome position (GRCh38, 1-based): chr1:67,255,911, T>C. VCF-style: chr1-67255911-T-C. GRCh37 (hg19) VCF-style: chr1-67721594-T-C.
Other names: short protein forms V408A.
Identifiers: ClinVar variation 4724244 (VCV004724244.1).